The following is an entry in ClinVar:

ClinVar aggregate classification (germline): Likely benign (1 of 4 stars; one submission).

Submission:

GeneDx
Classification: Likely benign. Last evaluated: 2018-09-24. Review status: criteria provided, single submitter. Criteria: GeneDx Variant Classification Process June 2021. Collection method: clinical testing. Allele origin: germline. Affected: yes.
Comment: This variant is associated with the following publications: (PMID: 27032803)

NM_004698.4(PRPF3):c.1283-60AT[7]

Gene: PRPF3 (pre-mRNA processing factor 3; plus strand). Cytogenetic location: 1q21.2.
Variant type: Microsatellite.
Coding change: c.1283-60AT[7] on transcript NM_004698.4 (MANE Select); seven copies in a row of the 2-base unit AT starting at c.1283-60; the reference has nine copies in a row; two copies, 4 bases deleted.
Molecular consequence: intron variant.
Genome position (GRCh38, 1-based): chr1:150,343,263-150,343,266, ATAT deleted; deleting any 4 consecutive bases within chr1:150,343,249-150,343,266 gives the same sequence; the position shown is the placement nearest the transcript's 3' end. VCF-style (leftmost placement, unchanged base first): chr1-150343248-AATAT-A. GRCh37 (hg19) VCF-style: chr1-150315724-AATAT-A.
Other names: c.878-60AT[7] (NM_001350529.1).
Identifiers: ClinVar variation 1190153 (VCV001190153.2), dbSNP rs66790680, ClinGen allele CA420681604.